The following is an entry in ClinVar:

NC_000012.11:g.(?_112856916)_(112942568_?)dup

Gene: PTPN11 (protein tyrosine phosphatase non-receptor type 11; plus strand). Cytogenetic location: 12q24.13.
Variant type: Duplication.
Identifiers: ClinVar variation 1374217 (VCV001374217.4).

ClinVar aggregate classification (germline): Uncertain significance (1 of 4 stars; one submission).

Conditions:
RASopathy. Also called: rasopathies; Noonan spectrum disorder. Identifiers: Orphanet 536391, MedGen C5555857, MONDO:0021060.

Submission:

Labcorp Genetics (formerly Invitae), Labcorp
Classification: Uncertain significance for RASopathy. Last evaluated: 2023-12-29. Review status: criteria provided, single submitter. Criteria: Invitae Variant Classification Sherloc (09022015). Collection method: clinical testing. Allele origin: germline.
Comment: A copy number gain of the genomic region encompassing the full coding sequence of the PTPN11 gene has been identified. The boundaries of this event are unknown as they extend beyond the assayed region for this gene and therefore may encompass additional genes. As the precise location of this event is unknown, it may be in tandem or it may be located elsewhere in the genome. Isolated whole-gene copy number gains of PTPN11 have not been reported in the literature. However, larger copy number events that include this gene have been reported (PMID: 18348260, 19760651, 24739123). In summary, the available evidence is currently insufficient to determine the role of this variant in disease. Therefore, it has been classified as a Variant of Uncertain Significance.

Literature cited by the submitters: PubMed 18348260; PubMed 19760651; PubMed 24739123.